The following is an entry in ClinVar:

NM_001077350.3(NPRL3):c.1387_1419del (p.Met463_Ser473del)

Genes: HBA-LCR (alpha-globin locus control region; plus strand), NPRL3 (NPR3 like, GATOR1 complex subunit; minus strand). Cytogenetic location: 16p13.3.
Variant type: Deletion.
Coding change: c.1387_1419del on transcript NM_001077350.3 (MANE Select); coding-DNA positions 1387 to 1419, 33 bases deleted.
Protein change: p.Met463_Ser473del.
Molecular consequence: inframe deletion.
Genome position (GRCh38, 1-based): chr16:88,823-88,855, 33 bases deleted; deleting any 33 consecutive bases within chr16:88,823-88,861 gives the same sequence; the c. name uses the placement nearest the transcript's 3' end. GRCh37 (hg19): chr16:138,827-138,859.
Other names: c.850_882del, p.Met284_Ser294del (NM_001039476.3); c.1153_1185del, p.Met385_Ser395del (NM_001243247.2); c.1312_1344del, p.Met438_Ser448del (NM_001243248.2, NM_001243249.2).
Identifiers: ClinVar variation 4721454 (VCV004721454.1).

ClinVar aggregate classification (germline): Uncertain significance (1 of 4 stars; one submission).

Conditions:
Epilepsy, familial focal, with variable foci 3 (FFEVF3). Identifiers: MedGen C4310708, MONDO:0014925, OMIM 617118.

Submission:

Labcorp Genetics (formerly Invitae), Labcorp
Classification: Uncertain significance for Epilepsy, familial focal, with variable foci 3. Last evaluated: 2025-06-15. Review status: criteria provided, single submitter. Criteria: Invitae Variant Classification Sherloc (09022015). Collection method: clinical testing. Allele origin: germline.
Comment: This variant, c.1387_1419del, results in the deletion of 11 amino acid(s) of the NPRL3 protein (p.Met463_Ser473del), but otherwise preserves the integrity of the reading frame. This variant is not present in population databases (gnomAD no frequency). This variant has not been reported in the literature in individuals affected with NPRL3-related conditions. Experimental studies and prediction algorithms are not available or were not evaluated, and the functional significance of this variant is currently unknown. In summary, the available evidence is currently insufficient to determine the role of this variant in disease. Therefore, it has been classified as a Variant of Uncertain Significance.